The following is an entry in ClinVar:

NM_000083.3(CLCN1):c.2056T>G (p.Tyr686Asp)

Genes: CLCN1 (chloride voltage-gated channel 1; plus strand), LOC123956257 (Sharpr-MPRA regulatory region 4117; plus strand). Cytogenetic location: 7q34.
Variant type: single nucleotide variant.
Coding change: c.2056T>G on transcript NM_000083.3 (MANE Select); coding-DNA position 2056, T replaced by G.
Protein change: p.Tyr686Asp; replaces tyrosine 686 with aspartic acid.
Molecular consequence: missense variant. On other transcripts: non-coding transcript variant (1).
Genome position (GRCh38, 1-based): chr7:143,345,646, T>G. VCF-style: chr7-143345646-T-G. GRCh37 (hg19) VCF-style: chr7-143042739-T-G.
Other names: short protein forms Y686D.
Identifiers: ClinVar variation 462837 (VCV000462837.6), dbSNP rs1359747708, ClinGen allele CA369650143.

ClinVar aggregate classification (germline): Uncertain significance (1 of 4 stars; one submission).

Conditions:
Congenital myotonia, autosomal recessive form. Also called: myotonia congenita, autosomal recessive; BECKER DISEASE; Becker Generalized Myotonia. Identifiers: Orphanet 614, MedGen C0751360, MONDO:0009715, OMIM 255700.
Congenital myotonia, autosomal dominant form (THD). Also called: Myotonia congenita autosomal dominant; THOMSEN DISEASE. Identifiers: Orphanet 614, MedGen C2936781, MONDO:0008055, OMIM 160800.

Allele frequency attached by ClinVar (database versions not stated): gnomAD exomes 0.00001.
gnomAD v4.1: 5 of 1,565,976 alleles (0.00032%); highest among the groups gnomAD compares: Non-Finnish European, 0.00043%; no homozygotes.

Submission:

Labcorp Genetics (formerly Invitae), Labcorp
Classification: Uncertain significance for Congenital myotonia, autosomal recessive form; Congenital myotonia, autosomal dominant form. Last evaluated: 2022-06-13. Review status: criteria provided, single submitter. Criteria: Invitae Variant Classification Sherloc (09022015). Collection method: clinical testing. Allele origin: germline.
Comment: This sequence change replaces tyrosine, which is neutral and polar, with aspartic acid, which is acidic and polar, at codon 686 of the CLCN1 protein (p.Tyr686Asp). This variant is present in population databases (no rsID available, gnomAD 0.001%). This variant has not been reported in the literature in individuals affected with CLCN1-related conditions. ClinVar contains an entry for this variant (Variation ID: 462837). Advanced modeling of protein sequence and biophysical properties (such as structural, functional, and spatial information, amino acid conservation, physicochemical variation, residue mobility, and thermodynamic stability) performed at Invitae indicates that this missense variant is not expected to disrupt CLCN1 protein function. In summary, the available evidence is currently insufficient to determine the role of this variant in disease. Therefore, it has been classified as a Variant of Uncertain Significance.